The following is an entry in ClinVar:

NM_000179.3(MSH6):c.261-10T>G

Gene: MSH6 (mutS homolog 6; plus strand). Cytogenetic location: 2p16.3.
Variant type: single nucleotide variant.
Coding change: c.261-10T>G on transcript NM_000179.3 (MANE Select); 10 bases into the intron before coding-DNA position 261, T replaced by G.
Molecular consequence: intron variant.
Genome position (GRCh38, 1-based): chr2:47,790,917, T>G. VCF-style: chr2-47790917-T-G. GRCh37 (hg19) VCF-style: chr2-48018056-T-G.
Other names: c.-476-10T>G (NM_001281493.2); c.237+7447T>G (NM_001281492.2); c.-642-10T>G (NM_001281494.2).
Identifiers: ClinVar variation 924669 (VCV000924669.3), dbSNP rs1355406935, ClinGen allele CA913203412.

ClinVar aggregate classification (germline): Uncertain significance (1 of 4 stars; one submission).

Conditions:
Hereditary cancer-predisposing syndrome. Also called: Neoplastic Syndromes, Hereditary; Tumor predisposition; Hereditary Cancer Syndrome; Hereditary neoplastic syndrome. Identifiers: Orphanet 140162, MedGen C0027672, MeSH D009386, MONDO:0015356.

Submission:

Color Diagnostics, LLC DBA Color Health
Classification: Uncertain significance for Hereditary cancer-predisposing syndrome. Last evaluated: 2019-07-03. Review status: criteria provided, single submitter. Criteria: ACMG Guidelines, 2015. Collection method: clinical testing. Allele origin: germline.
Comment: This variant is located in intron 1 of the MSH6 gene. Computational splicing tools are inconclusive regarding the impact of this variant on RNA splicing. To our knowledge, functional assays have not been performed for this variant nor has this variant been reported in individuals affected with hereditary cancer in the literature. This variant has not been identified in the general population by the Genome Aggregation Database (gnomAD). Available evidence is insufficient to determine the role of this variant in disease conclusively. Therefore, this variant is classified as a Variant of Uncertain Significance.